The following is an entry in ClinVar:

ClinVar aggregate classification (germline): Conflicting classifications of pathogenicity. Review status: criteria provided, conflicting classifications (1 of 4 stars). 4 submissions from 4 submitters: Uncertain significance (3); Likely benign (1). Last evaluated 2024-08-26.

Conditions:
Hereditary cancer-predisposing syndrome. Also called: Neoplastic Syndromes, Hereditary; Tumor predisposition; Hereditary Cancer Syndrome; Hereditary neoplastic syndrome. Identifiers: Orphanet 140162, MedGen C0027672, MeSH D009386, MONDO:0015356.
Hereditary breast ovarian cancer syndrome. Also called: Hereditary breast and ovarian cancer syndrome; BRCA1- and BRCA2-Associated Hereditary Breast and Ovarian Cancer; Breast and ovarian cancer; Hereditary breast and/or ovarian cancer syndrome; Hereditary breast and ovarian cancer; Hereditary breast and ovarian cancer syndrome (HBOC). Identifiers: Orphanet 145, MedGen C0677776, MeSH D061325, MONDO:0003582. Disease mechanism: loss of function.

Allele frequency attached by ClinVar (database versions not stated): gnomAD exomes below 0.00001.
gnomAD v4.1: 1 of 1,613,954 alleles (0.000062%); highest among the groups gnomAD compares: Non-Finnish European, 0.000085%; no homozygotes.

Submissions (4):

Quest Diagnostics Nichols Institute San Juan Capistrano
Classification: Uncertain significance. Last evaluated: 2024-08-26. Review status: criteria provided, single submitter. Criteria: Quest Diagnostics criteria. Collection method: clinical testing. Allele origin: unknown.
Comment: The BRCA2 c.5888G>A (p.Gly1963Glu) variant has been reported in the published literature to be located in a region of the BRCA2 gene that is tolerant to missense sequence changes (PMID: 31911673 (2020)). This variant has not been reported in individuals with BRCA2-related disorders. This variant has not been reported in large, multi-ethnic general populations (Genome Aggregation Database). Analysis of this variant using bioinformatics tools for the prediction of the effect of amino acid changes on protein structure and function yielded predictions that this variant is benign. Based on the available information, we are unable to determine the clinical significance of this variant.

Ambry Genetics
Classification: Uncertain significance for Hereditary cancer-predisposing syndrome. Last evaluated: 2023-10-05. Review status: criteria provided, single submitter. Criteria: Ambry Variant Classification Scheme 2023. Collection method: clinical testing. Allele origin: germline.
Comment: The p.G1963E variant (also known as c.5888G>A), located in coding exon 10 of the BRCA2 gene, results from a G to A substitution at nucleotide position 5888. The glycine at codon 1963 is replaced by glutamic acid, an amino acid with similar properties. This amino acid position is not well conserved in available vertebrate species. In addition, this alteration is predicted to be tolerated by in silico analysis. Since supporting evidence is limited at this time, the clinical significance of this alteration remains unclear.

University of Washington Department of Laboratory Medicine, University of Washington
Classification: Likely benign for Hereditary cancer-predisposing syndrome. Last evaluated: 2023-03-23. Review status: criteria provided, single submitter. Criteria: Dines et al. (Genet Med. 2020). Collection method: curation. Allele origin: germline.
Comment: Missense variant in a coldspot region where missense variants are very unlikely to be pathogenic (PMID:31911673).

BRCA2 exon 11 coldspot. Reclassification based on statistical prior probability.

Labcorp Genetics (formerly Invitae), Labcorp
Classification: Uncertain significance for Hereditary breast ovarian cancer syndrome. Last evaluated: 2020-12-23. Review status: criteria provided, single submitter. Criteria: Invitae Variant Classification Sherloc (09022015). Collection method: clinical testing. Allele origin: germline.
Comment: In summary, the available evidence is currently insufficient to determine the role of this variant in disease. Therefore, it has been classified as a Variant of Uncertain Significance. Advanced modeling of protein sequence and biophysical properties (such as structural, functional, and spatial information, amino acid conservation, physicochemical variation, residue mobility, and thermodynamic stability) performed at Invitae indicates that this missense variant is not expected to disrupt BRCA2 protein function. This variant has not been reported in the literature in individuals with BRCA2-related conditions. ClinVar contains an entry for this variant (Variation ID: 232553). This variant is not present in population databases (ExAC no frequency). This sequence change replaces glycine with glutamic acid at codon 1963 of the BRCA2 protein (p.Gly1963Glu). The glycine residue is moderately conserved and there is a moderate physicochemical difference between glycine and glutamic acid.

Literature cited by the submitters: PubMed 31911673 (cited by Quest Diagnostics Nichols Institute San Juan Capistrano).

NM_000059.4(BRCA2):c.5888G>A (p.Gly1963Glu)

Gene: BRCA2 (BRCA2 DNA repair associated; plus strand). Cytogenetic location: 13q13.1.
Variant type: single nucleotide variant.
Coding change: c.5888G>A on transcript NM_000059.4 (MANE Select); coding-DNA position 5888, G replaced by A.
Protein change: p.Gly1963Glu; replaces glycine 1963 with glutamic acid.
Molecular consequence: missense variant.
Genome position (GRCh38, 1-based): chr13:32,340,243, G>A. VCF-style: chr13-32340243-G-A. GRCh37 (hg19) VCF-style: chr13-32914380-G-A.
Other names: short protein forms G1963E.
Identifiers: ClinVar variation 232553 (VCV000232553.15), dbSNP rs876659836, ClinGen allele CA10579670.
Genomic context (GRCh38, chr13:32,340,243, plus strand): 5'-CTAAAATATCACCTTGTGATGTTAGTTTGGAAACTTCAGATATATGTAAATGTAGTATAG[G>A]GAAGCTTCATAAGTCAGTCTCATCTGCAAATACTTGTGGGATTTTTAGCACAGCAAGTGG-3'
Protein context (NP_000050.3, residues 1953-1973): ETSDICKCSI[Gly1963Glu]KLHKSVSSAN